The following is an entry in ClinVar:

ClinVar aggregate classification (germline): Likely pathogenic. Review status: criteria provided, multiple submitters, no conflicts (2 of 4 stars). 3 submissions from 3 submitters: Likely pathogenic (2). 1 of the submissions does not count toward it. Last evaluated 2023-04-11.

Conditions:
Dihydropyrimidine dehydrogenase deficiency (DPYDD). Also called: Hereditary Thymine-Uraciluria; DPD DEFICIENCY; DPYD DEFICIENCY. Identifiers: Orphanet 1675, MedGen C1959620, MONDO:0010130, OMIM 274270.

Allele frequency attached by ClinVar (database versions not stated): gnomAD exomes below 0.00001.
gnomAD v4.1: 1 of 1,613,564 alleles (0.000062%); highest among the groups gnomAD compares: Non-Finnish European, 0.000085%; no homozygotes.

Submissions (3):

Genome-Nilou Lab
Classification: Likely pathogenic for Dihydropyrimidine dehydrogenase deficiency. Last evaluated: 2023-04-11. Review status: criteria provided, single submitter. Criteria: ACMG Guidelines, 2015. Collection method: clinical testing. Allele origin: germline. Affected: no.

Women's Health and Genetics/Laboratory Corporation of America, LabCorp
Classification: Likely pathogenic for Dihydropyrimidine dehydrogenase deficiency. Last evaluated: 2022-06-07. Review status: criteria provided, single submitter. Criteria: LabCorp Variant Classification Summary - May 2015. Collection method: clinical testing. Allele origin: germline.
Comment: Variant summary: DPYD c.233+1G>T is located in a canonical splice-site and is predicted to affect mRNA splicing resulting in a significantly altered protein due to either exon skipping, shortening, or inclusion of intronic material. Several computational tools predict a significant impact on normal splicing: Four predict the variant abolishes a 5' splicing donor site, however, these predictions have yet to be confirmed by functional studies. The variant was absent in 251026 control chromosomes (gnomAD). To our knowledge, no occurrence of c.233+1G>T in individuals affected with Dihydropyrimidine Dehydrogenase Deficiency and no experimental evidence demonstrating its impact on protein function have been reported. One ClinVar submitter has assessed the variant since 2014: the variant was classified as likely pathogenic. Based on the evidence outlined above, the variant was classified as likely pathogenic.

Counsyl
Classification: Likely pathogenic for Dihydropyrimidine dehydrogenase deficiency. Last evaluated: 2017-10-24. Review status: no assertion criteria provided. Collection method: clinical testing. Allele origin: unknown. Not counted in ClinVar's aggregate classification.

NM_000110.4(DPYD):c.233+1G>T

Gene: DPYD (dihydropyrimidine dehydrogenase; minus strand). Cytogenetic location: 1p21.3.
Variant type: single nucleotide variant.
Coding change: c.233+1G>T on transcript NM_000110.4 (MANE Select); the canonical splice donor site of the intron after coding-DNA position 233, G replaced by T.
Molecular consequence: splice donor variant.
Genome position (GRCh38, 1-based): chr1:97,828,113, C>A on the plus strand (G>T on the coding strand, the complement: DPYD is on the minus strand). VCF-style: chr1-97828113-C-A. GRCh37 (hg19) VCF-style: chr1-98293669-C-A.
Other names: c.233+1G>T (NM_001160301.1).
Identifiers: ClinVar variation 554296 (VCV000554296.4), dbSNP rs1553247675, ClinGen allele CA341379365.